The following is an entry in ClinVar:

ClinVar aggregate classification (germline): Uncertain significance. Review status: criteria provided, multiple submitters, no conflicts (2 of 4 stars). 3 submissions from 3 submitters: Uncertain significance (2). 1 of the submissions does not count toward it. Last evaluated 2023-01-11.

Conditions:
Wilson disease (WND). Also called: Wilson's disease. Identifiers: Orphanet 905, MedGen C0019202, MONDO:0010200, OMIM 277900. Disease mechanism: loss of function.

Allele frequency attached by ClinVar (database versions not stated): ExAC 0.00001; gnomAD 0.00001; gnomAD exomes 0.00001.
gnomAD v4.1: 9 of 1,613,986 alleles (0.00056%); highest among the groups gnomAD compares: South Asian, 0.0022%; no homozygotes.

Submissions (3):

Women's Health and Genetics/Laboratory Corporation of America, LabCorp
Classification: Uncertain significance. Last evaluated: 2023-01-11. Review status: criteria provided, single submitter. Criteria: LabCorp Variant Classification Summary - May 2015. Collection method: clinical testing. Allele origin: germline.
Comment: Variant summary: ATP7B c.2138A>G (p.Tyr713Cys) results in a non-conservative amino acid change in the encoded protein sequence. Five of five in-silico tools predict a damaging effect of the variant on protein function. The variant allele was found at a frequency of 8e-06 in 249226 control chromosomes. The available data on variant occurrences in the general population are insufficient to allow any conclusion about variant significance. c.2138A>G has been reported in the literature as a non-informative genotype (second allele/zygosity not specified) in at-least one individual reportedly affected with Wilson Disease (example, Loudianos_1996). These report(s) do not provide unequivocal conclusions about association of the variant with Wilson Disease. To our knowledge, no experimental evidence demonstrating an impact on protein function has been reported. Two clinical diagnostic laboratories have submitted clinical-significance assessments for this variant to ClinVar after 2014 without evidence for independent evaluation. All laboratories classified the variant as uncertain significance. Based on the evidence outlined above, the variant was classified as uncertain significance.

Labcorp Genetics (formerly Invitae), Labcorp
Classification: Uncertain significance for Wilson disease. Last evaluated: 2021-11-27. Review status: criteria provided, single submitter. Criteria: Invitae Variant Classification Sherloc (09022015). Collection method: clinical testing. Allele origin: germline.
Comment: This sequence change replaces tyrosine, which is neutral and polar, with cysteine, which is neutral and slightly polar, at codon 713 of the ATP7B protein (p.Tyr713Cys). This variant is present in population databases (rs756883878, gnomAD 0.003%). This missense change has been observed in individual(s) with clinical features of Wilson disease (PMID: 8931691). This variant is also known as Tyr714Cys. ClinVar contains an entry for this variant (Variation ID: 1005564). Advanced modeling of protein sequence and biophysical properties (such as structural, functional, and spatial information, amino acid conservation, physicochemical variation, residue mobility, and thermodynamic stability) performed at Invitae indicates that this missense variant is expected to disrupt ATP7B protein function. In summary, the available evidence is currently insufficient to determine the role of this variant in disease. Therefore, it has been classified as a Variant of Uncertain Significance.

Natera, Inc.
Classification: Uncertain significance for Wilson disease. Last evaluated: 2021-04-21. Review status: no assertion criteria provided. Collection method: clinical testing. Allele origin: germline. Not counted in ClinVar's aggregate classification.

Literature cited by the submitters: PubMed 8931691 (cited by Women's Health and Genetics/Laboratory Corporation of America, LabCorp and Labcorp Genetics (formerly Invitae), Labcorp); PubMed 23235335 (cited by Women's Health and Genetics/Laboratory Corporation of America, LabCorp).

NM_000053.4(ATP7B):c.2138A>G (p.Tyr713Cys)

Gene: ATP7B (ATPase copper transporting beta; minus strand). Cytogenetic location: 13q14.3.
Variant type: single nucleotide variant.
Coding change: c.2138A>G on transcript NM_000053.4 (MANE Select); coding-DNA position 2138, A replaced by G.
Protein change: p.Tyr713Cys; replaces tyrosine 713 with cysteine.
Molecular consequence: missense variant. On other transcripts: intron variant (2).
Genome position (GRCh38, 1-based): chr13:51,958,528, T>C on the plus strand (A>G on the coding strand, the complement: ATP7B is on the minus strand). VCF-style: chr13-51958528-T-C. GRCh37 (hg19) VCF-style: chr13-52532664-T-C.
Other names: c.2138A>G (NM_000053.3); c.1805A>G, p.Tyr602Cys (NM_001243182.2); c.1886A>G, p.Tyr629Cys (NM_001330579.2); c.1870-921A>G (NM_001005918.3); c.2122-921A>G (NM_001330578.2); short protein forms Y602C, Y629C, Y713C.
Identifiers: ClinVar variation 1005564 (VCV001005564.10), dbSNP rs756883878, ClinGen allele CA6989099.